The following is an entry in ClinVar:

NM_024649.5(BBS1):c.784C>T (p.Arg262Trp)

Genes: BBS1 (Bardet-Biedl syndrome 1; plus strand), ZDHHC24 (zDHHC palmitoyltransferase 24; minus strand). Cytogenetic location: 11q13.2.
Variant type: single nucleotide variant.
Coding change: c.784C>T on transcript NM_024649.5 (MANE Select); coding-DNA position 784, C replaced by T.
Protein change: p.Arg262Trp; replaces arginine 262 with tryptophan.
Molecular consequence: missense variant. On other transcripts: 3 prime UTR variant (1).
Genome position (GRCh38, 1-based): chr11:66,521,330, C>T. VCF-style: chr11-66521330-C-T. GRCh37 (hg19) VCF-style: chr11-66288801-C-T.
Other names: c.*158G>A (NM_001348571.2); short protein forms R262W.
Identifiers: ClinVar variation 3352418 (VCV003352418.2).

ClinVar aggregate classification (germline): Uncertain significance. Review status: criteria provided, single submitter (1 of 4 stars). 2 submissions from 2 submitters: Uncertain significance (1). 1 of the submissions does not count toward it. Last evaluated 2024-03-02.

Conditions:
Bardet-Biedl syndrome 1 (BBS1). Identifiers: MedGen C2936862, MONDO:0008854, OMIM 209900. Disease mechanism: loss of function.
BBS1-related disorder. Also called: BBS1-related condition.

gnomAD v4.1: 16 of 1,614,102 alleles (0.00099%); highest among the groups gnomAD compares: East Asian, 0.0022%; no homozygotes.

Submissions (2):

Fulgent Genetics
Classification: Uncertain significance for Bardet-Biedl syndrome 1. Last evaluated: 2024-03-02. Review status: criteria provided, single submitter. Criteria: ACMG Guidelines, 2015. Collection method: clinical testing. Allele origin: germline.

PreventionGenetics, part of Exact Sciences
Classification: Uncertain significance for BBS1-related condition. Last evaluated: 2024-02-15. Review status: no assertion criteria provided. Collection method: clinical testing. Allele origin: germline. Not counted in ClinVar's aggregate classification.
Comment: The BBS1 c.784C>T variant is predicted to result in the amino acid substitution p.Arg262Trp. To our knowledge, this variant has not been reported in the literature. This variant is reported in 0.0018% of alleles in individuals of European (Non-Finnish) descent in gnomAD. At this time, the clinical significance of this variant is uncertain due to the absence of conclusive functional and genetic evidence.